The following is an entry in ClinVar:

ClinVar aggregate classification (germline): Benign/Likely benign. Review status: criteria provided, multiple submitters, no conflicts (2 of 4 stars). 10 submissions from 10 submitters: Benign (7); Likely benign (1). 2 of the submissions do not count toward it. Last evaluated 2026-02-04.

Conditions:
Fanconi anemia complementation group E (FANCE). Also called: FANCE-Related Fanconi Anemia. Identifiers: Orphanet 84, MedGen C3160739, MONDO:0010953, OMIM 600901.

Allele frequency attached by ClinVar (database versions not stated): gnomAD exomes 0.06670 and 0.09060; ExAC 0.09787; gnomAD 0.14531 and 0.14730; ESP Exome Variant Server 0.15101; TOPMed 0.15621; 1000 Genomes Project 0.18950; 1000 Genomes Project 30x 0.19457.
gnomAD v4.1: 120,755 of 1,614,066 alleles (7.5%); highest among the groups gnomAD compares: African/African-American, 37%; 8,884 homozygotes.

Submissions (10):

Labcorp Genetics (formerly Invitae), Labcorp
Classification: Benign for Fanconi anemia complementation group E. Last evaluated: 2026-02-04. Review status: criteria provided, single submitter. Criteria: Invitae Variant Classification Sherloc (09022015). Collection method: clinical testing. Allele origin: germline.

ARUP Laboratories, Molecular Genetics and Genomics, ARUP Laboratories
Classification: Benign for Fanconi anemia complementation group E. Last evaluated: 2025-05-16. Review status: criteria provided, single submitter. Criteria: ARUP Molecular Germline Variant Investigation Process 2024. Collection method: clinical testing. Allele origin: germline.

Blueprint Genetics
Classification: Likely benign. Last evaluated: 2024-11-26. Review status: criteria provided, single submitter. Criteria: ACMG Guidelines, 2015. Collection method: clinical testing. Allele origin: germline.

KCCC/NGS Laboratory, Kuwait Cancer Control Center
Classification: Benign for Fanconi anemia complementation group E. Last evaluated: 2023-07-07. Review status: criteria provided, single submitter. Criteria: ACMG Guidelines, 2015. Collection method: clinical testing. Allele origin: germline. Affected: yes.

Mayo Clinic Laboratories, Mayo Clinic
Classification: Benign. Last evaluated: 2022-09-06. Review status: criteria provided, single submitter. Criteria: ACMG Guidelines, 2015. Collection method: clinical testing. Allele origin: germline. Observed: 6 variant alleles.

GeneDx
Classification: Benign. Last evaluated: 2019-01-10. Review status: criteria provided, single submitter. Criteria: GeneDx Variant Classification Process June 2021. Collection method: clinical testing. Allele origin: germline. Affected: yes.

Illumina Laboratory Services, Illumina
Classification: Benign for Fanconi anemia complementation group E. Last evaluated: 2018-01-13. Review status: criteria provided, single submitter. Criteria: ICSL Variant Classification Criteria 13 December 2019. Collection method: clinical testing. Allele origin: germline.
Comment: This variant was observed in the ICSL laboratory as part of a predisposition screen in an ostensibly healthy population. It had not been previously curated by ICSL or reported in the Human Gene Mutation Database (HGMD: prior to June 1st, 2018), and was therefore a candidate for classification through an automated scoring system. Utilizing variant allele frequency, disease prevalence and penetrance estimates, and inheritance mode, an automated score was calculated to assess if this variant is too frequent to cause the disease. Based on the score and internal cut-off values, a variant classified as benign is not then subjected to further curation. The score for this variant resulted in a classification of benign for this disease.

PreventionGenetics, part of Exact Sciences
Classification: Benign. Review status: criteria provided, single submitter. Criteria: ACMG Guidelines, 2015. Collection method: clinical testing. Allele origin: germline.

ITMI
No classification provided. Condition: AllHighlyPenetrant. Last evaluated: 2013-09-19. Review status: no classification provided. Collection method: reference population. Allele origin: germline. Not counted in ClinVar's aggregate classification.
Comment: Please see associated publication for description of ethnicities

Leiden Open Variation Database
Classification: Uncertain significance for Fanconi anemia complementation group E. Last evaluated: 2011-02-07. Review status: no assertion criteria provided. Collection method: curation. Allele origin: germline. Affected: yes. Not counted in ClinVar's aggregate classification.
Comment: Curator: Arleen D. Auerbach. Submitter to LOVD: Arleen D. Auerbach.

Literature cited by the submitters: PubMed 24728327 (cited by ITMI); PubMed 14695169 (cited by Leiden Open Variation Database).

NM_021922.3(FANCE):c.1504G>A (p.Ala502Thr)

Gene: FANCE (FA complementation group E; plus strand). Cytogenetic location: 6p21.31.
Variant type: single nucleotide variant.
Coding change: c.1504G>A on transcript NM_021922.3 (MANE Select); coding-DNA position 1504, G replaced by A.
Protein change: p.Ala502Thr; replaces alanine 502 with threonine.
Molecular consequence: missense variant.
Genome position (GRCh38, 1-based): chr6:35,462,909, G>A. VCF-style: chr6-35462909-G-A. GRCh37 (hg19) VCF-style: chr6-35430686-G-A.
Other names: short protein forms A502T.
Identifiers: ClinVar variation 134345 (VCV000134345.31), dbSNP rs9462088, ClinGen allele CA159560.